The following is an entry in ClinVar:

NM_001044393.3(MUC1):c.*64C>T

Gene: MUC1 (mucin 1, cell surface associated; minus strand). Cytogenetic location: 1q22.
Variant type: single nucleotide variant.
Coding change: c.*64C>T on transcript NM_001044393.3; 64 bases downstream of the stop codon, C replaced by T.
Molecular consequence: 3 prime UTR variant. On other transcripts: synonymous variant (18).
Genome position (GRCh38, 1-based): chr1:155,186,174, G>A on the plus strand (C>T on the coding strand, the complement: MUC1 is on the minus strand). VCF-style: chr1-155186174-G-A. GRCh37 (hg19) VCF-style: chr1-155158650-G-A.
Other names: c.756C>T, p.Tyr252= (NM_001018016.3); c.729C>T, p.Tyr243= (NM_001018017.3); c.573C>T, p.Tyr191= (NM_001044390.3); c.414C>T, p.Tyr138= (NM_001044391.3); c.441C>T, p.Tyr147= (NM_001044392.3); c.1389C>T, p.Tyr463= (NM_001204285.2); c.1416C>T, p.Tyr472= (NM_001204286.1); c.810C>T, p.Tyr270= (NM_001204287.2); and 11 more.
Identifiers: ClinVar variation 4821788 (VCV004821788.4).
Genomic context (GRCh38, chr1:155,186,174, plus strand): 5'-AGCTCAGCGGGCGACGTGCCCCTACAAGTTGGCAGAAGTGGCTGCCACTGCTGGGTTTGT[G>A]TAAGAGAGGCTGCTGCCACCATTACCTGCAGAAACCTGGGTGGAAGGAAAAGAGATCCAG-3'

ClinVar aggregate classification (germline): Likely benign (1 of 4 stars; one submission).

Submission:

CeGaT Center for Human Genetics Tuebingen
Classification: Likely benign. Last evaluated: 2026-08-01. Review status: criteria provided, single submitter. Criteria: CeGaT Center For Human Genetics Tuebingen Variant Classification Criteria Version 2. Collection method: clinical testing. Allele origin: germline. Affected: yes. Observed: 2 variant alleles.
Comment: MUC1: BP4, BP7, BS1